The following is an entry in ClinVar:

ClinVar aggregate classification (germline): Pathogenic (1 of 4 stars; one submission).

Conditions:
Hereditary breast ovarian cancer syndrome. Also called: Hereditary breast and ovarian cancer syndrome (HBOC); Hereditary breast and ovarian cancer syndrome; Breast and ovarian cancer; Hereditary breast and/or ovarian cancer syndrome; Hereditary breast and ovarian cancer; BRCA1- and BRCA2-Associated Hereditary Breast and Ovarian Cancer. Identifiers: Orphanet 145, MedGen C0677776, MeSH D061325, MONDO:0003582. Disease mechanism: loss of function.

Submission:

Labcorp Genetics (formerly Invitae), Labcorp
Classification: Pathogenic for Hereditary breast ovarian cancer syndrome. Last evaluated: 2017-01-26. Review status: criteria provided, single submitter. Criteria: Invitae Variant Classification Sherloc (09022015). Collection method: clinical testing. Allele origin: germline.
Comment: This sequence change deletes 1 nucleotide in exon 10 of the BRCA1 mRNA (c.3117delC), causing a frameshift at codon 1040. This creates a premature translational stop signal (p.Ser1040Alafs*8) and is expected to result in an absent or disrupted protein product. For these reasons, this variant has been classified as Pathogenic. While this particular variant has not been reported in the literature, loss-of-function variants in BRCA1 are known to be pathogenic (PMID: 20104584).

Literature cited by the submitters: PubMed 20104584.

NM_007294.4(BRCA1):c.3117del (p.Ser1040fs)

Gene: BRCA1 (BRCA1 DNA repair associated; minus strand). Cytogenetic location: 17q21.31.
Variant type: Deletion.
Coding change: c.3117del on transcript NM_007294.4 (MANE Select); coding-DNA position 3117, one base deleted (C; older notation c.3117delC).
Protein change: p.Ser1040fs; shifts the reading frame from serine 1040.
Molecular consequence: frameshift variant. On other transcripts: intron variant (137).
Genome position (GRCh38, 1-based): chr17:43,092,414, G deleted on the plus strand (C on the coding strand, the reverse complement: BRCA1 is on the minus strand); the first of 2 consecutive G bases (chr17:43,092,414-43,092,415); deleting either gives the same sequence. VCF-style (leftmost placement, unchanged base first): chr17-43092413-TG-T. GRCh37 (hg19) VCF-style: chr17-41244430-TG-T.
Other names: c.3117delC (NM_007294.3); c.2904del, p.Ser969fs (NM_001407571.1, NM_001407853.1, NM_001407894.1 and 9 more transcripts); c.3117del, p.Ser1040fs (NM_001407581.1, NM_001407582.1, NM_001407583.1 and 30 more transcripts); c.3114del, p.Ser1039fs (NM_001407587.1, NM_001407590.1, NM_001407591.1 and 22 more transcripts); c.3108del, p.Ser1037fs (NM_001407646.1, NM_001407647.1); c.2994del, p.Ser999fs (NM_001407648.1, NM_001407664.1, NM_001407665.1 and 19 more transcripts); c.2991del, p.Ser998fs (NM_001407649.1, NM_001407670.1, NM_001407671.1 and 11 more transcripts); c.3039del, p.Ser1014fs (NM_001407653.1, NM_001407654.1, NM_001407655.1 and 4 more transcripts); and 42 more; short protein forms S993fs, S1040fs, S969fs, S992fs, S1014fs, S872fs, S913fs, S951fs.
Identifiers: ClinVar variation 462602 (VCV000462602.10), dbSNP rs1555588361, ClinGen allele CA658656626.